The following is an entry in ClinVar:

NM_001267550.2(TTN):c.1939A>T (p.Met647Leu)

Gene: TTN (titin; minus strand). Cytogenetic location: 2q31.2.
Variant type: single nucleotide variant.
Coding change: c.1939A>T on transcript NM_001267550.2 (MANE Select); coding-DNA position 1939, A replaced by T.
Protein change: p.Met647Leu; replaces methionine 647 with leucine.
Molecular consequence: missense variant.
Genome position (GRCh38, 1-based): chr2:178,789,497, T>A on the plus strand (A>T on the coding strand, the complement: TTN is on the minus strand). VCF-style: chr2-178789497-T-A. GRCh37 (hg19) VCF-style: chr2-179654224-T-A.
Other names: c.1939A>T, p.Met647Leu (NM_001256850.1, NM_133378.4, NM_133379.5); c.1801A>T, p.Met601Leu (NM_003319.4, NM_133432.3, NM_133437.4); short protein forms M647L, M601L.
Identifiers: ClinVar variation 511097 (VCV000511097.1), dbSNP rs1554027673, ClinGen allele CA349505974.

ClinVar aggregate classification (germline): Likely benign (1 of 4 stars; one submission).

Submission:

GeneDx
Classification: Likely benign. Last evaluated: 2017-07-24. Review status: criteria provided, single submitter. Criteria: GeneDx Variant Classification (06012015). Collection method: clinical testing. Allele origin: germline. Affected: yes.
Comment: This variant is considered likely benign or benign based on one or more of the following criteria: it is a conservative change, it occurs at a poorly conserved position in the protein, it is predicted to be benign by multiple in silico algorithms, and/or has population frequency not consistent with disease.